The following is an entry in ClinVar:

NM_001349206.2(LPIN1):c.1979A>G (p.Tyr660Cys)

Gene: LPIN1 (lipin 1; plus strand). Cytogenetic location: 2p25.1.
Variant type: single nucleotide variant.
Coding change: c.1979A>G on transcript NM_001349206.2 (MANE Select); coding-DNA position 1979, A replaced by G.
Protein change: p.Tyr660Cys; replaces tyrosine 660 with cysteine.
Molecular consequence: missense variant. On other transcripts: non-coding transcript variant (1).
Genome position (GRCh38, 1-based): chr2:11,802,999, A>G. VCF-style: chr2-11802999-A-G. GRCh37 (hg19) VCF-style: chr2-11943125-A-G.
Other names: c.1889A>G, p.Tyr630Cys (NM_001261427.3); c.2126A>G, p.Tyr709Cys (NM_001261428.3); c.1871A>G, p.Tyr624Cys (NM_001349199.2, NM_145693.4); c.1949A>G, p.Tyr650Cys (NM_001349200.2, NM_001349201.2); c.1976A>G, p.Tyr659Cys (NM_001349202.2, NM_001349203.2); c.1979A>G, p.Tyr660Cys (NM_001349204.2, NM_001349205.2); c.2069A>G, p.Tyr690Cys (NM_001349207.2); c.2018A>G, p.Tyr673Cys (NM_001349208.2); short protein forms Y630C, Y673C, Y624C, Y650C, Y659C, Y690C, Y660C, Y709C.
Identifiers: ClinVar variation 1404955 (VCV001404955.4), dbSNP rs780262395, ClinGen allele CA1533947.

ClinVar aggregate classification (germline): Uncertain significance. Review status: criteria provided, multiple submitters, no conflicts (2 of 4 stars). 2 submissions from 2 submitters: Uncertain significance (2). Last evaluated 2022-03-07.

Conditions:
Myoglobinuria, acute recurrent, autosomal recessive. Also called: RHABDOMYOLYSIS, ACUTE RECURRENT; MYOGLOBINURIA, FAMILIAL PAROXYSMAL PARALYTIC; Myoglobinuria, recurrent, autosomal recessive. Identifiers: Orphanet 99845, MedGen C1849386, MONDO:0009992, OMIM 268200.

Allele frequency attached by ClinVar (database versions not stated): ExAC 0.00001; gnomAD 0.00001; TOPMed 0.00001; gnomAD exomes 0.00002.
gnomAD v4.1: 27 of 1,612,896 alleles (0.0017%); highest among the groups gnomAD compares: Admixed American, 0.0033%; no homozygotes.

Submissions (2):

Fulgent Genetics
Classification: Uncertain significance for Myoglobinuria, acute recurrent, autosomal recessive. Last evaluated: 2022-03-07. Review status: criteria provided, single submitter. Criteria: ACMG Guidelines, 2015. Collection method: clinical testing. Allele origin: unknown.

Labcorp Genetics (formerly Invitae), Labcorp
Classification: Uncertain significance. Last evaluated: 2021-12-08. Review status: criteria provided, single submitter. Criteria: Invitae Variant Classification Sherloc (09022015). Collection method: clinical testing. Allele origin: germline.
Comment: This sequence change replaces tyrosine, which is neutral and polar, with cysteine, which is neutral and slightly polar, at codon 624 of the LPIN1 protein (p.Tyr624Cys). This variant is present in population databases (rs780262395, gnomAD 0.006%). This variant has not been reported in the literature in individuals affected with LPIN1-related conditions. Algorithms developed to predict the effect of missense changes on protein structure and function (SIFT, PolyPhen-2, Align-GVGD) all suggest that this variant is likely to be disruptive. In summary, the available evidence is currently insufficient to determine the role of this variant in disease. Therefore, it has been classified as a Variant of Uncertain Significance.